The following is an entry in ClinVar:

NM_024598.4(USB1):c.412G>A (p.Val138Met)

Gene: USB1 (U6 snRNA biogenesis phosphodiesterase 1; plus strand). Cytogenetic location: 16q21.
Variant type: single nucleotide variant.
Coding change: c.412G>A on transcript NM_024598.4 (MANE Select); coding-DNA position 412, G replaced by A.
Protein change: p.Val138Met; replaces valine 138 with methionine.
Molecular consequence: missense variant.
Genome position (GRCh38, 1-based): chr16:58,010,075, G>A. VCF-style: chr16-58010075-G-A. GRCh37 (hg19) VCF-style: chr16-58043979-G-A.
Other names: c.412G>A, p.Val138Met (NM_001195302.2, NM_001204911.2, NM_001330569.2); c.259G>A, p.Val87Met (NM_001330568.2); short protein forms V138M, V87M.
Identifiers: ClinVar variation 2193144 (VCV002193144.5), dbSNP rs769067404, ClinGen allele CA8084895.
Genomic context (GRCh38, chr16:58,010,075, plus strand): 5'-GTGTTCCACCTCAGCCTGTCCCAGAGTGTGGTTCTGCGCCACCACTGGATCCTCCCCTTC[G>A]TGCAGGCTCTGAAAGCCCGTATGACCTCCTTCCACAGGTGAGTGCTTCTTCCCTCTGCCT-3'
Protein context (NP_078874.2, residues 128-148): VLRHHWILPF[Val138Met]QALKARMTSF

ClinVar aggregate classification (germline): Uncertain significance. Review status: criteria provided, multiple submitters, no conflicts (2 of 4 stars). 2 submissions from 2 submitters: Uncertain significance (2). Last evaluated 2025-08-26.

Conditions:
Inborn genetic diseases. Identifiers: MedGen C0950123, MeSH D030342.

Allele frequency attached by ClinVar (database versions not stated): ExAC 0.00002.

Submissions (2):

Ambry Genetics
Classification: Uncertain significance for Inborn genetic diseases. Last evaluated: 2025-08-26. Review status: criteria provided, single submitter. Criteria: Ambry Variant Classification Scheme 2023. Collection method: clinical testing. Allele origin: germline.

Labcorp Genetics (formerly Invitae), Labcorp
Classification: Uncertain significance. Last evaluated: 2024-02-24. Review status: criteria provided, single submitter. Criteria: Invitae Variant Classification Sherloc (09022015). Collection method: clinical testing. Allele origin: germline.
Comment: This sequence change replaces valine, which is neutral and non-polar, with methionine, which is neutral and non-polar, at codon 138 of the USB1 protein (p.Val138Met). This variant is present in population databases (rs769067404, gnomAD 0.01%). This variant has not been reported in the literature in individuals affected with USB1-related conditions. ClinVar contains an entry for this variant (Variation ID: 2193144). Advanced modeling of protein sequence and biophysical properties (such as structural, functional, and spatial information, amino acid conservation, physicochemical variation, residue mobility, and thermodynamic stability) performed at Invitae indicates that this missense variant is not expected to disrupt USB1 protein function with a negative predictive value of 80%. In summary, the available evidence is currently insufficient to determine the role of this variant in disease. Therefore, it has been classified as a Variant of Uncertain Significance.